The following is an entry in ClinVar:

ClinVar aggregate classification (germline): Pathogenic (1 of 4 stars; one submission).

Submission:

GeneDx
Classification: Pathogenic. Last evaluated: 2022-11-18. Review status: criteria provided, single submitter. Criteria: GeneDx Variant Classification Process June 2021. Collection method: clinical testing. Allele origin: germline. Affected: yes.
Comment: Nonsense variant predicted to result in protein truncation or nonsense mediated decay in a gene for which loss-of-function is a known mechanism of disease; Not observed in large population cohorts (gnomAD); Has not been previously published as pathogenic or benign to our knowledge

NM_015443.4(KANSL1):c.1220C>G (p.Ser407Ter)

Gene: KANSL1 (KAT8 regulatory NSL complex subunit 1). Cytogenetic location: 17q21.31.
Variant type: single nucleotide variant.
Coding change: c.1220C>G on transcript NM_015443.4 (MANE Select); coding-DNA position 1220, C replaced by G.
Protein change: p.Ser407Ter; replaces serine 407 with a stop codon.
Molecular consequence: nonsense.
Genome position (GRCh38, 1-based): chr17:46,170,924, G>C on the plus strand (C>G on the coding strand, the complement: KANSL1 is on the minus strand). VCF-style: chr17-46170924-G-C. GRCh37 (hg19) VCF-style: chr17-44248290-G-C.
Other names: c.1220C>G, p.Ser407Ter (NM_001193465.2, NM_001193466.2, NM_001379198.1 and 18 more transcripts); short protein forms S407*.
Identifiers: ClinVar variation 1800574 (VCV001800574.1), dbSNP rs2545076515, ClinGen allele CA399978710.